The following is an entry in ClinVar:

NM_000088.4(COL1A1):c.1002+6del

Gene: COL1A1 (collagen type I alpha 1 chain; minus strand). Cytogenetic location: 17q21.33.
Variant type: Deletion.
Coding change: c.1002+6del on transcript NM_000088.4 (MANE Select); 6 bases into the intron after coding-DNA position 1002, one base deleted (T; older notation c.1002+6delT).
Molecular consequence: intron variant.
Genome position (GRCh38, 1-based): chr17:50,196,149, A deleted on the plus strand (T on the coding strand, the reverse complement: COL1A1 is on the minus strand). VCF-style (leftmost placement, unchanged base first): chr17-50196148-CA-C. GRCh37 (hg19) VCF-style: chr17-48273509-CA-C.
Identifiers: ClinVar variation 4855143 (VCV004855143.1).
Genomic context (GRCh38, chr17:50,196,148, plus strand): 5'-AGCCCCAAGAGCAGATACTGAGACCCCTCCCCACTCCCAGGCCCTGAGGCCTACAGGCCA[CA>C]CTCACAGGGGGCCCGGCAGCACCAGTAGCACCATCATTTCCACGAGCACCCTGCAGGAGA-3'

ClinVar aggregate classification (germline): Uncertain significance (1 of 4 stars; one submission).

Conditions:
COL1A1-related disorder. Also called: COL1A1-related condition; COL1A1- related disease.

Submission:

3billion
Classification: Uncertain significance for COL1A1-related disorder. Last evaluated: 2025-11-10. Review status: criteria provided, single submitter. Criteria: ACMG Guidelines, 2015. Collection method: clinical testing. Allele origin: germline. Affected: yes.
Comment: The variant is not observed in the gnomAD v4.1.0 dataset. Predicted Consequence/Location: Intron variant In silico tools predict the variant to alter splicing and produce an abnormal transcript [SpliceAI: 0.71 (>=0.2, moderate evidence for spliceogenicity)]. Therefore, this variant is classified as VUS according to the recommendation of ACMG/AMP guideline.